The following is an entry in ClinVar:

NM_007194.4(CHEK2):c.1274dup (p.Pro426fs)

Gene: CHEK2 (checkpoint kinase 2; minus strand). Cytogenetic location: 22q12.1.
Variant type: Duplication.
Coding change: c.1274dup on transcript NM_007194.4 (MANE Select); coding-DNA position 1274, one base duplicated (C; older notation c.1274dupC).
Protein change: p.Pro426fs; shifts the reading frame from proline 426.
Molecular consequence: frameshift variant.
Genome position (GRCh38, 1-based): chr22:28,695,228, G duplicated on the plus strand (C on the coding strand, the reverse complement: CHEK2 is on the minus strand); the first of 2 consecutive G bases (chr22:28,695,228-28,695,229); duplicating either gives the same sequence. VCF-style (leftmost placement, unchanged base first): chr22-28695227-T-TG. GRCh37 (hg19) VCF-style: chr22-29091215-T-TG.
Other names: c.1402dup, p.Pro469Thrfs (NM_001005735.3); c.610dup, p.Pro205Thrfs (NM_001257387.3); c.1072dup, p.Pro359Thrfs (NM_001349956.3); c.1186dup, p.Pro397Thrfs (NM_145862.3); short protein forms P205fs, P359fs, P397fs, P426fs, P469fs.
Identifiers: ClinVar variation 2431260 (VCV002431260.1), dbSNP rs2517798223, ClinGen allele CA2580099435.
Genomic context (GRCh38, chr22:28,695,227, plus strand): 5'-GTATTTTCCACTGGTGATCTGATCCTTCAGTGACACTTGAGTCCTATGCTCAGAGAAAGG[T>TG]GGATACCCACTAAGGCTTAATATTGGTAGAGAGAGAAAGGAAAAGAAATCAAGTGGCATT-3'

ClinVar aggregate classification (germline): Pathogenic (1 of 4 stars; one submission).

Conditions:
Familial cancer of breast. Also called: Hereditary breast cancer; BREAST CANCER, FAMILIAL; hereditary breast carcinoma. Identifiers: Orphanet 227535, MedGen C0346153, MONDO:0016419, OMIM 114480. Disease mechanism: loss of function.

Submission:

Myriad Genetics, Inc.
Classification: Pathogenic for Familial cancer of breast. Last evaluated: 2023-01-17. Review status: criteria provided, single submitter. Criteria: Myriad Autosomal Dominant, Autosomal Recessive and X-Linked Classification Criteria (2023). Collection method: clinical testing. Allele origin: unknown.
Comment: This variant is considered pathogenic. This variant creates a frameshift predicted to result in premature protein truncation.